The following is an entry in ClinVar:

NM_006612.6(KIF1C):c.1938G>A (p.Arg646=)

Genes: KIF1C (kinesin family member 1C; plus strand), LOC126862473 (CDK7 strongly-dependent group 2 enhancer GRCh37_chr17:4923264-4924463; plus strand). Cytogenetic location: 17p13.2.
Variant type: single nucleotide variant.
Coding change: c.1938G>A on transcript NM_006612.6 (MANE Select); coding-DNA position 1938, G replaced by A.
Protein change: p.Arg646=; no amino-acid change (arginine 646 retained).
Molecular consequence: synonymous variant.
Genome position (GRCh38, 1-based): chr17:5,020,806, G>A. VCF-style: chr17-5020806-G-A. GRCh37 (hg19) VCF-style: chr17-4924101-G-A.
Identifiers: ClinVar variation 1442634 (VCV001442634.3), dbSNP rs762688207, ClinGen allele CA8319173.
Genomic context (GRCh38, chr17:5,020,806, plus strand): 5'-TCCTCCTCTTGTCAGATACTCACCAAGGTTGCTCTTCCTTCCCTCCCTGTCCAATCCCAG[G>A]CTGCAGGATCTGGAGAATCAGTACCGGAAAGAAAAGGAAGAAGCCGATCTTCTGCTGGAG-3'
Protein context (NP_006603.2, residues 636-656): GIDIKLEMEK[Arg646=]LQDLENQYRK

ClinVar aggregate classification (germline): Uncertain significance (1 of 4 stars; one submission).

Conditions:
Spastic ataxia 2. Also called: Ataxia, spastic, 2, autosomal recessive. Identifiers: Orphanet 397946, MedGen C1969796, MONDO:0012651, OMIM 611302.

Allele frequency attached by ClinVar (database versions not stated): gnomAD 0.00001; TOPMed 0.00001; gnomAD exomes 0.00002 and 0.00003; ExAC 0.00004.
gnomAD v4.1: 42 of 1,595,396 alleles (0.0026%); highest among the groups gnomAD compares: Non-Finnish European, 0.0035%; no homozygotes.

Submission:

Labcorp Genetics (formerly Invitae), Labcorp
Classification: Uncertain significance for Spastic ataxia 2. Last evaluated: 2021-08-18. Review status: criteria provided, single submitter. Criteria: Invitae Variant Classification Sherloc (09022015). Collection method: clinical testing. Allele origin: germline.
Comment: This sequence change affects codon 646 of the KIF1C mRNA. It is a 'silent' change, meaning that it does not change the encoded amino acid sequence of the KIF1C protein. It affects a nucleotide within the consensus splice site of the intron. This variant is present in population databases (rs762688207, ExAC 0.007%). This variant has not been reported in the literature in individuals affected with KIF1C-related conditions. Algorithms developed to predict the effect of sequence changes on RNA splicing suggest that this variant is not likely to affect RNA splicing. In summary, the available evidence is currently insufficient to determine the role of this variant in disease. Therefore, it has been classified as a Variant of Uncertain Significance.